The following is an entry in ClinVar:

NM_000245.4(MET):c.1008C>A (p.Ser336Arg)

Gene: MET (MET proto-oncogene, receptor tyrosine kinase; plus strand). Cytogenetic location: 7q31.2.
Variant type: single nucleotide variant.
Coding change: c.1008C>A on transcript NM_000245.4 (MANE Select); coding-DNA position 1008, C replaced by A.
Protein change: p.Ser336Arg; replaces serine 336 with arginine.
Molecular consequence: missense variant. On other transcripts: intron variant (1).
Genome position (GRCh38, 1-based): chr7:116,700,092, C>A. VCF-style: chr7-116700092-C-A. GRCh37 (hg19) VCF-style: chr7-116340146-C-A.
Other names: c.1008C>A, p.Ser336Arg (NM_001127500.3, NM_001324401.3); c.-91+27515C>A (NM_001324402.2); short protein forms S336R.
Identifiers: ClinVar variation 4797674 (VCV004797674.1).

ClinVar aggregate classification (germline): Uncertain significance (1 of 4 stars; one submission).

Conditions:
Renal cell carcinoma. Identifiers: Orphanet 217071, MedGen C0007134, MeSH D002292, MONDO:0005086, HP:0005584.

gnomAD v4.1: 1 of 1,611,120 alleles (0.000062%); highest among the groups gnomAD compares: East Asian, 0.0022%; no homozygotes.

Submission:

Labcorp Genetics (formerly Invitae), Labcorp
Classification: Uncertain significance for Renal cell carcinoma. Last evaluated: 2025-03-12. Review status: criteria provided, single submitter. Criteria: Invitae Variant Classification Sherloc (09022015). Collection method: clinical testing. Allele origin: germline.
Comment: This sequence change replaces serine, which is neutral and polar, with arginine, which is basic and polar, at codon 336 of the MET protein (p.Ser336Arg). This variant is not present in population databases (gnomAD no frequency). This variant has not been reported in the literature in individuals affected with MET-related conditions. Invitae Evidence Modeling of protein sequence and biophysical properties (such as structural, functional, and spatial information, amino acid conservation, physicochemical variation, residue mobility, and thermodynamic stability) indicates that this missense variant is not expected to disrupt MET protein function with a negative predictive value of 80%. In summary, the available evidence is currently insufficient to determine the role of this variant in disease. Therefore, it has been classified as a Variant of Uncertain Significance.